The following is an entry in ClinVar:

ClinVar aggregate classification (germline): Uncertain significance. Review status: criteria provided, multiple submitters, no conflicts (2 of 4 stars). 2 submissions from 2 submitters: Uncertain significance (2). Last evaluated 2024-10-24.

Conditions:
Inborn genetic diseases. Identifiers: MedGen C0950123, MeSH D030342.
Cenani-Lenz syndactyly syndrome. Also called: SYNDACTYLY, TYPE VII; CENANI SYNDACTYLISM. Identifiers: Orphanet 3258, MedGen C1859309, MONDO:0008931, OMIM 212780.
Congenital myasthenic syndrome 17. Identifiers: Orphanet 590, MedGen C4225377, MONDO:0014578, OMIM 616304.
Sclerosteosis 2 (SOST2). Identifiers: Orphanet 3152, MedGen C3280402, MONDO:0013679, OMIM 614305.

Allele frequency attached by ClinVar (database versions not stated): ExAC 0.00002; gnomAD exomes 0.00002; TOPMed 0.00002; gnomAD 0.00003.
gnomAD v4.1: 33 of 1,614,014 alleles (0.002%); highest among the groups gnomAD compares: South Asian, 0.0044%; no homozygotes.

Submissions (2):

Labcorp Genetics (formerly Invitae), Labcorp
Classification: Uncertain significance for Cenani-Lenz syndactyly syndrome; Sclerosteosis 2; Congenital myasthenic syndrome 17. Last evaluated: 2024-10-24. Review status: criteria provided, single submitter. Criteria: Invitae Variant Classification Sherloc (09022015). Collection method: clinical testing. Allele origin: germline.
Comment: This sequence change replaces arginine, which is basic and polar, with tryptophan, which is neutral and slightly polar, at codon 1506 of the LRP4 protein (p.Arg1506Trp). This variant is present in population databases (rs766025454, gnomAD 0.01%). This variant has not been reported in the literature in individuals affected with LRP4-related conditions. ClinVar contains an entry for this variant (Variation ID: 567349). Invitae Evidence Modeling of protein sequence and biophysical properties (such as structural, functional, and spatial information, amino acid conservation, physicochemical variation, residue mobility, and thermodynamic stability) indicates that this missense variant is not expected to disrupt LRP4 protein function with a negative predictive value of 80%. In summary, the available evidence is currently insufficient to determine the role of this variant in disease. Therefore, it has been classified as a Variant of Uncertain Significance.

Ambry Genetics
Classification: Uncertain significance for Inborn genetic diseases. Last evaluated: 2021-08-09. Review status: criteria provided, single submitter. Criteria: Ambry Variant Classification Scheme 2023. Collection method: clinical testing. Allele origin: germline.

NM_002334.4(LRP4):c.4516C>T (p.Arg1506Trp)

Genes: LRP4 (LDL receptor related protein 4; minus strand), LRP4-AS1 (LRP4 antisense RNA 1; plus strand). Cytogenetic location: 11p11.2.
Variant type: single nucleotide variant.
Coding change: c.4516C>T on transcript NM_002334.4 (MANE Select); coding-DNA position 4516, C replaced by T.
Protein change: p.Arg1506Trp; replaces arginine 1506 with tryptophan.
Molecular consequence: missense variant. On other transcripts: non-coding transcript variant (1).
Genome position (GRCh38, 1-based): chr11:46,873,167, G>A on the plus strand (C>T on the coding strand, the complement: LRP4 is on the minus strand). VCF-style: chr11-46873167-G-A. GRCh37 (hg19) VCF-style: chr11-46894718-G-A.
Other names: short protein forms R1506W.
Identifiers: ClinVar variation 567349 (VCV000567349.7), dbSNP rs766025454, ClinGen allele CA5969313.